The following is an entry in ClinVar:

NM_177438.3(DICER1):c.3106G>A (p.Glu1036Lys)

Gene: DICER1 (dicer 1, ribonuclease III; minus strand). Cytogenetic location: 14q32.13.
Variant type: single nucleotide variant.
Coding change: c.3106G>A on transcript NM_177438.3 (MANE Select); coding-DNA position 3106, G replaced by A.
Protein change: p.Glu1036Lys; replaces glutamic acid 1036 with lysine.
Molecular consequence: missense variant.
Genome position (GRCh38, 1-based): chr14:95,105,234, C>T on the plus strand (G>A on the coding strand, the complement: DICER1 is on the minus strand). VCF-style: chr14-95105234-C-T. GRCh37 (hg19) VCF-style: chr14-95571571-C-T.
Other names: c.3106G>A (NM_177438.2); c.3106G>A, p.Glu1036Lys (NM_001195573.1, NM_001271282.3, NM_001291628.2 and 1 more transcripts); short protein forms E1036K.
Identifiers: ClinVar variation 1480803 (VCV001480803.10), dbSNP rs749392411, ClinGen allele CA7331091.

ClinVar aggregate classification (germline): Uncertain significance. Review status: criteria provided, multiple submitters, no conflicts (2 of 4 stars). 2 submissions from 2 submitters: Uncertain significance (2). Last evaluated 2025-03-13.

Conditions:
DICER1-related tumor predisposition. Also called: DICER1-related pleuropulmonary blastoma cancer predisposition syndrome; DICER1 syndrome. Identifiers: Orphanet 284343, MedGen C3839822, MONDO:0100216.
Hereditary cancer-predisposing syndrome. Also called: Hereditary neoplastic syndrome; Tumor predisposition; Neoplastic Syndromes, Hereditary; Hereditary Cancer Syndrome. Identifiers: Orphanet 140162, MedGen C0027672, MeSH D009386, MONDO:0015356.

Allele frequency attached by ClinVar (database versions not stated): gnomAD exomes below 0.00001; ExAC 0.00001.
gnomAD v4.1: 1 of 1,613,400 alleles (0.000062%); no homozygotes.

Submissions (2):

Ambry Genetics
Classification: Uncertain significance for Hereditary cancer-predisposing syndrome. Last evaluated: 2025-03-13. Review status: criteria provided, single submitter. Criteria: Ambry Variant Classification Scheme 2023. Collection method: clinical testing. Allele origin: germline.
Comment: The p.E1036K variant (also known as c.3106G>A), located in coding exon 19 of the DICER1 gene, results from a G to A substitution at nucleotide position 3106. The glutamic acid at codon 1036 is replaced by lysine, an amino acid with similar properties. This amino acid position is highly conserved in available vertebrate species. In addition, this alteration is predicted to be deleterious by in silico analysis. Based on the available evidence, the clinical significance of this variant remains unclear.

Labcorp Genetics (formerly Invitae), Labcorp
Classification: Uncertain significance for DICER1-related tumor predisposition. Last evaluated: 2020-12-22. Review status: criteria provided, single submitter. Criteria: Invitae Variant Classification Sherloc (09022015). Collection method: clinical testing. Allele origin: germline.
Comment: In summary, the available evidence is currently insufficient to determine the role of this variant in disease. Therefore, it has been classified as a Variant of Uncertain Significance. Algorithms developed to predict the effect of missense changes on protein structure and function (SIFT, PolyPhen-2, Align-GVGD) all suggest that this variant is likely to be disruptive, but these predictions have not been confirmed by published functional studies and their clinical significance is uncertain. This variant has not been reported in the literature in individuals with DICER1-related conditions. This variant is present in population databases (rs749392411, ExAC 0.02%). This sequence change replaces glutamic acid with lysine at codon 1036 of the DICER1 protein (p.Glu1036Lys). The glutamic acid residue is highly conserved and there is a small physicochemical difference between glutamic acid and lysine.